The following is an entry in ClinVar:

ClinVar aggregate classification (germline): Uncertain significance (1 of 4 stars; one submission).

Submission:

Women's Health and Genetics/Laboratory Corporation of America, LabCorp
Classification: Uncertain significance. Last evaluated: 2025-04-08. Review status: criteria provided, single submitter. Criteria: LabCorp Variant Classification Summary - May 2015. Collection method: clinical testing. Allele origin: germline.
Comment: Variant summary: CHAMP1 c.1555C>G (p.Leu519Val) results in a conservative amino acid change in the encoded protein sequence. Five of five in-silico tools predict a benign effect of the variant on protein function. The variant was absent in 251400 control chromosomes. The available data on variant occurrences in the general population are insufficient to allow any conclusion about variant significance. To our knowledge, no occurrence of c.1555C>G in individuals affected with Intellectual Disability, Autosomal Dominant 40 and no experimental evidence demonstrating its impact on protein function have been reported. No submitters have cited clinical-significance assessments for this variant to ClinVar. Based on the evidence outlined above, the variant was classified as uncertain significance.

NM_032436.4(CHAMP1):c.1555C>G (p.Leu519Val)

Gene: CHAMP1 (chromosome alignment maintaining phosphoprotein 1; plus strand). Cytogenetic location: 13q34.
Variant type: single nucleotide variant.
Coding change: c.1555C>G on transcript NM_032436.4 (MANE Select); coding-DNA position 1555, C replaced by G.
Protein change: p.Leu519Val; replaces leucine 519 with valine.
Molecular consequence: missense variant.
Genome position (GRCh38, 1-based): chr13:114,325,397, C>G. VCF-style: chr13-114325397-C-G. GRCh37 (hg19) VCF-style: chr13-115090872-C-G.
Other names: c.1555C>G, p.Leu519Val (NM_001164144.3, NM_001164145.3); short protein forms L519V.
Identifiers: ClinVar variation 3896409 (VCV003896409.2).